The following is an entry in ClinVar:

ClinVar aggregate classification (germline): Uncertain significance. Review status: criteria provided, multiple submitters, no conflicts (2 of 4 stars). 2 submissions from 2 submitters: Uncertain significance (2). Last evaluated 2025-06-07.

Conditions:
Hereditary cancer-predisposing syndrome. Also called: Neoplastic Syndromes, Hereditary; Hereditary Cancer Syndrome; Tumor predisposition; Hereditary neoplastic syndrome. Identifiers: Orphanet 140162, MedGen C0027672, MeSH D009386, MONDO:0015356.

Submissions (2):

Ambry Genetics
Classification: Uncertain significance for Hereditary cancer-predisposing syndrome. Last evaluated: 2025-06-07. Review status: criteria provided, single submitter. Criteria: Ambry Variant Classification Scheme 2023. Collection method: clinical testing. Allele origin: germline.

Labcorp Genetics (formerly Invitae), Labcorp
Classification: Uncertain significance for Hereditary cancer-predisposing syndrome. Last evaluated: 2023-03-31. Review status: criteria provided, single submitter. Criteria: Invitae Variant Classification Sherloc (09022015). Collection method: clinical testing. Allele origin: germline.
Comment: In summary, the available evidence is currently insufficient to determine the role of this variant in disease. Therefore, it has been classified as a Variant of Uncertain Significance. Advanced modeling of protein sequence and biophysical properties (such as structural, functional, and spatial information, amino acid conservation, physicochemical variation, residue mobility, and thermodynamic stability) performed at Invitae indicates that this missense variant is not expected to disrupt RAD50 protein function. This variant has not been reported in the literature in individuals affected with RAD50-related conditions. This variant is not present in population databases (gnomAD no frequency). This sequence change replaces serine, which is neutral and polar, with isoleucine, which is neutral and non-polar, at codon 988 of the RAD50 protein (p.Ser988Ile).

NM_005732.4(RAD50):c.2963G>T (p.Ser988Ile)

Gene: RAD50 (RAD50 double strand break repair protein; plus strand). Cytogenetic location: 5q31.1.
Variant type: single nucleotide variant.
Coding change: c.2963G>T on transcript NM_005732.4 (MANE Select); coding-DNA position 2963, G replaced by T.
Protein change: p.Ser988Ile; replaces serine 988 with isoleucine.
Molecular consequence: missense variant.
Genome position (GRCh38, 1-based): chr5:132,609,323, G>T. VCF-style: chr5-132609323-G-T. GRCh37 (hg19) VCF-style: chr5-131945015-G-T.
Other names: c.2963G>T (NM_005732.3); short protein forms S988I.
Identifiers: ClinVar variation 2851114 (VCV002851114.4), dbSNP rs2479371620, ClinGen allele CA360960485.